The following is an entry in ClinVar:

ClinVar aggregate classification (germline): Uncertain significance (1 of 4 stars; one submission).

Submission:

Labcorp Genetics (formerly Invitae), Labcorp
Classification: Uncertain significance. Last evaluated: 2022-06-20. Review status: criteria provided, single submitter. Criteria: Invitae Variant Classification Sherloc (09022015). Collection method: clinical testing. Allele origin: germline.
Comment: In summary, the available evidence is currently insufficient to determine the role of this variant in disease. Therefore, it has been classified as a Variant of Uncertain Significance. Advanced modeling of protein sequence and biophysical properties (such as structural, functional, and spatial information, amino acid conservation, physicochemical variation, residue mobility, and thermodynamic stability) performed at Invitae indicates that this missense variant is expected to disrupt IFT27 protein function. This variant has not been reported in the literature in individuals affected with IFT27-related conditions. This variant is not present in population databases (gnomAD no frequency). This sequence change replaces valine, which is neutral and non-polar, with methionine, which is neutral and non-polar, at codon 90 of the IFT27 protein (p.Val90Met).

NM_001177701.3(IFT27):c.271G>A (p.Val91Met)

Genes: CACNG2-DT (CACNG2 divergent transcript; plus strand), IFT27 (intraflagellar transport 27; minus strand). Cytogenetic location: 22q12.3.
Variant type: single nucleotide variant.
Coding change: c.271G>A on transcript NM_001177701.3 (MANE Select); coding-DNA position 271, G replaced by A.
Protein change: p.Val91Met; replaces valine 91 with methionine.
Molecular consequence: missense variant.
Genome position (GRCh38, 1-based): chr22:36,764,000, C>T on the plus strand (G>A on the coding strand, the complement: IFT27 is on the minus strand). VCF-style: chr22-36764000-C-T. GRCh37 (hg19) VCF-style: chr22-37160044-C-T.
Other names: c.271G>A, p.Val91Met (NM_001363003.2); c.268G>A, p.Val90Met (NM_006860.5); short protein forms V90M, V91M.
Identifiers: ClinVar variation 1502467 (VCV001502467.8), dbSNP rs147299700, ClinGen allele CA411383207.